The following is an entry in ClinVar:

NM_182914.3(SYNE2):c.12377G>C (p.Ser4126Thr)

Gene: SYNE2 (spectrin repeat containing nuclear envelope protein 2; plus strand). Cytogenetic location: 14q23.2.
Variant type: single nucleotide variant.
Coding change: c.12377G>C on transcript NM_182914.3 (MANE Select); coding-DNA position 12377, G replaced by C.
Protein change: p.Ser4126Thr; replaces serine 4126 with threonine.
Molecular consequence: missense variant.
Genome position (GRCh38, 1-based): chr14:64,098,817, G>C. VCF-style: chr14-64098817-G-C. GRCh37 (hg19) VCF-style: chr14-64565535-G-C.
Other names: c.12377G>C, p.Ser4126Thr (NM_015180.6); short protein forms S4126T.
Identifiers: ClinVar variation 945855 (VCV000945855.12), dbSNP rs113360430, ClinGen allele CA7222100.
Genomic context (GRCh38, chr14:64,098,817, plus strand): 5'-GAGGCTCCATGTCTTACCTGGCAGCAGTCGAGGAAGAGGTGGAAGAAAGTTCCGTGAAGA[G>C]CGATGTAAGGGAAATGATTTTCTTGTTAAAGTTTGTTAGAACCAGATCTCTAAAAGAAGT-3'
Protein context (NP_878918.2, residues 4116-4136): EEEVEESSVK[Ser4126Thr]DNGDEKAEPS

ClinVar aggregate classification (germline): Uncertain significance. Review status: criteria provided, multiple submitters, no conflicts (2 of 4 stars). 4 submissions from 4 submitters: Uncertain significance (4). Last evaluated 2025-10-01.

Conditions:
Emery-Dreifuss muscular dystrophy 5, autosomal dominant (EDMD5). Also called: EMERY-DREIFUSS MUSCULAR DYSTROPHY 5. Identifiers: Orphanet 261, MedGen C2751805, MONDO:0013072, OMIM 612999.

Allele frequency attached by ClinVar (database versions not stated): gnomAD exomes 0.00003 and 0.00006; ExAC 0.00004; ESP Exome Variant Server 0.00015; TOPMed 0.00015; gnomAD 0.00019 and 0.00020; 1000 Genomes Project 0.00020; 1000 Genomes Project 30x 0.00031.
gnomAD v4.1: 75 of 1,614,058 alleles (0.0046%); highest among the groups gnomAD compares: African/African-American, 0.077%; 2 homozygotes.

Submissions (4):

Labcorp Genetics (formerly Invitae), Labcorp
Classification: Uncertain significance for Emery-Dreifuss muscular dystrophy 5, autosomal dominant. Last evaluated: 2025-10-01. Review status: criteria provided, single submitter. Criteria: Invitae Variant Classification Sherloc (09022015). Collection method: clinical testing. Allele origin: germline.
Comment: This sequence change replaces serine, which is neutral and polar, with threonine, which is neutral and polar, at codon 4126 of the SYNE2 protein (p.Ser4126Thr). This variant is present in population databases (rs113360430, gnomAD 0.07%), and has an allele count higher than expected for a pathogenic variant. This variant has not been reported in the literature in individuals affected with SYNE2-related conditions. ClinVar contains an entry for this variant (Variation ID: 945855). An algorithm developed to predict the effect of missense changes on protein structure and function (PolyPhen-2) suggests that this variant is likely to be disruptive. In summary, the available evidence is currently insufficient to determine the role of this variant in disease. Therefore, it has been classified as a Variant of Uncertain Significance.

Fulgent Genetics
Classification: Uncertain significance for Emery-Dreifuss muscular dystrophy 5, autosomal dominant. Last evaluated: 2024-05-24. Review status: criteria provided, single submitter. Criteria: ACMG Guidelines, 2015. Collection method: clinical testing. Allele origin: germline.

Ambry Genetics
Classification: Uncertain significance. Last evaluated: 2024-03-15. Review status: criteria provided, single submitter. Criteria: Ambry Variant Classification Scheme 2023. Collection method: clinical testing. Allele origin: germline.

Revvity Omics, Revvity
Classification: Uncertain significance for Emery-Dreifuss muscular dystrophy 5, autosomal dominant. Last evaluated: 2019-03-22. Review status: criteria provided, single submitter. Criteria: ACMG Guidelines, 2015. Collection method: clinical testing. Allele origin: germline.